The following is an entry in ClinVar:

NM_000393.5(COL5A2):c.2194G>A (p.Gly732Arg)

Gene: COL5A2 (collagen type V alpha 2 chain; minus strand). Cytogenetic location: 2q32.2.
Variant type: single nucleotide variant.
Coding change: c.2194G>A on transcript NM_000393.5 (MANE Select); coding-DNA position 2194, G replaced by A.
Protein change: p.Gly732Arg; replaces glycine 732 with arginine.
Molecular consequence: missense variant.
Genome position (GRCh38, 1-based): chr2:189,058,464, C>T on the plus strand (G>A on the coding strand, the complement: COL5A2 is on the minus strand). VCF-style: chr2-189058464-C-T. GRCh37 (hg19) VCF-style: chr2-189923190-C-T.
Other names: short protein forms G732R.
Identifiers: ClinVar variation 450297 (VCV000450297.2), dbSNP rs1553514917, ClinGen allele CA349875514.

ClinVar aggregate classification (germline): Uncertain significance (1 of 4 stars; one submission).

Submission:

GeneDx
Classification: Uncertain significance. Last evaluated: 2018-06-08. Review status: criteria provided, single submitter. Criteria: GeneDx Variant Classification (06012015). Collection method: clinical testing. Allele origin: germline. Affected: yes.
Comment: A variant of uncertain significance has been identified in the COL5A2 gene. The G732R variant has not been published as pathogenic or been reported as benign to our knowledge. This variant is not observed in large population cohorts (Lek et al., 2016; 1000 Genomes Consortium et al., 2015; Exome Variant Server). The G732R variant is a non-conservative amino acid substitution, which is likely to impact secondary protein structure as these residues differ in polarity, charge, size and/or other properties. Additionally, this substitution occurs at a position that is conserved across species. Furthermore, in silico analysis predicts this variant is probably damaging to the protein structure/function. The G732R variant affects a glycine residue in a Gly-X-Y motif in the triple helical region of the COL5A2 gene, where the majority of pathogenic missense variants occur (Stenson et al., 2014; Symoens et al., 2012). However, in contrast to several other collagen genes, relatively few pathogenic glycine substitutions have been reported in COL5A2 in association with EDS. Most pathogenic variants in COL5A2 are in-frame splice site changes that cause exon skipping (Symoens et al., 2012).